The following is an entry in ClinVar:

NM_024675.4(PALB2):c.2120del (p.Pro707fs)

Gene: PALB2 (partner and localizer of BRCA2; minus strand). Cytogenetic location: 16p12.2.
Variant type: Deletion.
Coding change: c.2120del on transcript NM_024675.4 (MANE Select); coding-DNA position 2120, one base deleted (C; older notation c.2120delC).
Protein change: p.Pro707fs; shifts the reading frame from proline 707.
Molecular consequence: frameshift variant.
Genome position (GRCh38, 1-based): chr16:23,630,034, G deleted on the plus strand (C on the coding strand, the reverse complement: PALB2 is on the minus strand); the first of 2 consecutive G bases (chr16:23,630,034-23,630,035); deleting either gives the same sequence. VCF-style (leftmost placement, unchanged base first): chr16-23630033-AG-A. GRCh37 (hg19) VCF-style: chr16-23641354-AG-A.
Other names: c.2120delC (NM_024675.3, NM_024675.4).
Identifiers: ClinVar variation 128128 (VCV000128128.31), dbSNP rs587780210, ClinGen allele CA288431.

ClinVar aggregate classification (germline): Pathogenic. Review status: criteria provided, multiple submitters, no conflicts (2 of 4 stars). 11 submissions from 11 submitters: Pathogenic (10). 1 of the submissions does not count toward it. Last evaluated 2026-01-11.

Conditions:
Breast cancer, susceptibility to. Identifiers: MedGen C3469522. Disease mechanism: gain of function.
Pancreatic cancer, susceptibility to, 3. Identifiers: Orphanet 1333, MedGen C3150547, MONDO:0013236, OMIM 613348.
PALB2-related cancer predisposition. Identifiers: MedGen CN377761, MONDO:0700272.
Hereditary cancer-predisposing syndrome. Also called: Hereditary neoplastic syndrome; Neoplastic Syndromes, Hereditary; Hereditary Cancer Syndrome; Tumor predisposition. Identifiers: Orphanet 140162, MedGen C0027672, MeSH D009386, MONDO:0015356.
Familial cancer of breast. Also called: Hereditary breast cancer; BREAST CANCER, FAMILIAL; hereditary breast carcinoma. Identifiers: Orphanet 227535, MedGen C0346153, MONDO:0016419, OMIM 114480. Disease mechanism: loss of function.
Malignant tumor of breast. Also called: Malignant breast neoplasm; Cancer breast. Identifiers: MedGen C0006142, MONDO:0007254. Disease mechanism: loss of function.

Submissions (11):

Labcorp Genetics (formerly Invitae), Labcorp
Classification: Pathogenic for Familial cancer of breast. Last evaluated: 2026-01-11. Review status: criteria provided, single submitter. Criteria: Invitae Variant Classification Sherloc (09022015). Collection method: clinical testing. Allele origin: germline.
Comment: This sequence change creates a premature translational stop signal (p.Pro707Leufs*2) in the PALB2 gene. It is expected to result in an absent or disrupted protein product. Loss-of-function variants in PALB2 are known to be pathogenic (PMID: 17200668, 17200671, 17200672, 24136930, 25099575). This variant is present in population databases (rs587780210, gnomAD 0.01%). This premature translational stop signal has been observed in individual(s) with breast cancer and thyroid cancer and breast cancer (PMID: 25575445, 26681312). ClinVar contains an entry for this variant (Variation ID: 128128). For these reasons, this variant has been classified as Pathogenic.

Women's Health and Genetics/Laboratory Corporation of America, LabCorp
Classification: Pathogenic for Malignant tumor of breast. Last evaluated: 2024-11-21. Review status: criteria provided, single submitter. Criteria: LabCorp Variant Classification Summary - May 2015. Collection method: clinical testing. Allele origin: germline.
Comment: Variant summary: PALB2 c.2120delC (p.Pro707LeufsX2) results in a premature termination codon, predicted to cause a truncation of the encoded protein or absence of the protein due to nonsense mediated decay, which are commonly known mechanisms for disease. The variant allele was found at a frequency of 8e-06 in 251492 control chromosomes (gnomAD). c.2120delC has been reported in the literature in at least an individual affected with PALB2-related cancer (example: Nguyen-Dumot_2016). To our knowledge, no experimental evidence demonstrating an impact on protein function has been reported. The following publication have been ascertained in the context of this evaluation (PMID: 25575445). ClinVar contains an entry for this variant (Variation ID: 128128). Based on the evidence outlined above, the variant was classified as pathogenic.

Baylor Genetics
Classification: Pathogenic for Familial cancer of breast. Last evaluated: 2024-01-08. Review status: criteria provided, single submitter. Criteria: ACMG Guidelines, 2015. Collection method: clinical testing. Allele origin: unknown.

Quest Diagnostics Nichols Institute San Juan Capistrano
Classification: Pathogenic. Last evaluated: 2023-11-14. Review status: criteria provided, single submitter. Criteria: Quest Diagnostics criteria. Collection method: clinical testing. Allele origin: unknown.
Comment: The PALB2 c.2120del (p.Pro707Leufs*2) variant alters the translational reading frame of the PALB2 mRNA and causes the premature termination of PALB2 protein synthesis. This variant has been reported in the published literature in individuals with breast cancer (PMID: 26681312 (2015), 25575445 (2015)) and breast and thyroid cancer (PMID: 29922827 (2018)). The frequency of this variant in the general population, 0.000008 (2/251492 chromosomes (Genome Aggregation Database)), is consistent with pathogenicity. Based on the available information, this variant is classified as pathogenic.

Ambry Genetics
Classification: Pathogenic for Hereditary cancer-predisposing syndrome. Last evaluated: 2023-09-21. Review status: criteria provided, single submitter. Criteria: Ambry Variant Classification Scheme 2023. Collection method: clinical testing. Allele origin: germline.
Comment: The c.2120delC pathogenic mutation, located in coding exon 5 of the PALB2 gene, results from a deletion of one nucleotide at nucleotide position 2120, causing a translational frameshift with a predicted alternate stop codon (p.P707Lfs*2). This alteration was identified in 1/10030 consecutive patients referred for evaluation by an NGS hereditary cancer panel (Susswein LR et al. Genet Med. 2016 8;18(8):823-32.). In addition to the clinical data presented in the literature, this alteration is expected to result in loss of function by premature protein truncation or nonsense-mediated mRNA decay. As such, this alteration is interpreted as a disease-causing mutation.

Institute for Genomic Medicine (IGM) Clinical Laboratory, Nationwide Children's Hospital
Classification: Pathogenic for PALB2-related cancer predisposition. Last evaluated: 2023-09-20. Review status: criteria provided, single submitter. Criteria: ACMG Guidelines, 2015. Collection method: clinical testing. Allele origin: germline.
Comment: This variant is predicted to result in loss of function through nonsense-mediated decay of the encoded transcript or premature truncation of the encoded protein in a gene in which loss of function is a known mechanism of disease (ACMG/AMP: PVS1; PMIDs:17200668, 17200671, 24136930, 25099575). This variant has been reported at an elevated frequency in affected individuals/in multiple affected individuals in the literature (ACMG/AMP: PS4_Supporting; PMIDs:25575445, 26681312, 27153395, 29922827, 17200671). This variant is absent from or present at an exceedingly low frequency in gnomAD, a large-scale control population database (ACMG/AMP: PM2).

GeneDx
Classification: Pathogenic. Last evaluated: 2023-05-11. Review status: criteria provided, single submitter. Criteria: GeneDx Variant Classification Process June 2021. Collection method: clinical testing. Allele origin: germline. Affected: yes.
Comment: Frameshift variant predicted to result in protein truncation or nonsense mediated decay in a gene for which loss of function is a known mechanism of disease; Not observed at significant frequency in large population cohorts (gnomAD); Observed in individuals with a personal or family history consistent with pathogenic variants in this gene (Nguyen-Dumont et al., 2015; Maxwell et al., 2016; Susswein et al., 2016); Truncating variants in this gene are considered pathogenic by a well-established clinical consortium and/or database; This variant is associated with the following publications: (PMID: 25575445, 26681312, 27153395, 31447099, 29922827)

Myriad Genetics, Inc.
Classification: Pathogenic for Familial cancer of breast. Last evaluated: 2023-03-31. Review status: criteria provided, single submitter. Criteria: Myriad Autosomal Dominant, Autosomal Recessive and X-Linked Classification Criteria (2023). Collection method: clinical testing. Allele origin: unknown.
Comment: This variant is considered pathogenic. This variant creates a frameshift predicted to result in premature protein truncation.

Color Diagnostics, LLC DBA Color Health
Classification: Pathogenic for Hereditary cancer-predisposing syndrome. Last evaluated: 2022-03-15. Review status: criteria provided, single submitter. Criteria: ACMG Guidelines, 2015. Collection method: clinical testing. Allele origin: germline.
Comment: This variant deletes 1 nucleotide in exon 5 of the PALB2 gene, creating a frameshift and premature translation stop signal. This variant is expected to result in an absent or non-functional protein product. This variant has been reported in individuals affected with breast cancer, and in an individual affected with breast cancer and thyroid cancer (PMID: 25575445, 26681312; Color internal data). This variant has been identified in 2/251492 chromosomes in the general population by the Genome Aggregation Database (gnomAD). Loss of PALB2 function is a known mechanism of disease. Based on the available evidence, this variant is classified as Pathogenic.

Human Genome Sequencing Center Clinical Lab, Baylor College of Medicine
Classification: Pathogenic for Susceptibility to breast cancer; Pancreatic cancer susceptibility 3. Last evaluated: 2018-10-14. Review status: criteria provided, single submitter. Criteria: ACMG Guidelines, 2015. Collection method: clinical testing. Allele origin: germline.
Comment: The c.2120delC (p.Pro707Leufs*2) variant in the PALB2 gene is predicted to introduce a premature translation termination codon. This variant has been reported in two patients affected with breast cancer (PMID 25575445, 26681312) and is extremely rare in general population databases. Therefore, this c.2120delC (p,Pro707Leus*2) variant in the PALB2 gene is classified as pathogenic.

Counsyl
Classification: Pathogenic for Familial cancer of breast. Last evaluated: 2016-10-03. Review status: no assertion criteria provided. Collection method: clinical testing. Allele origin: unknown. Not counted in ClinVar's aggregate classification.

Literature cited by the submitters: PubMed 17200668 (cited by Labcorp Genetics (formerly Invitae), Labcorp and Institute for Genomic Medicine (IGM) Clinical Laboratory, Nationwide Children's Hospital); PubMed 17200671 (cited by Labcorp Genetics (formerly Invitae), Labcorp and Institute for Genomic Medicine (IGM) Clinical Laboratory, Nationwide Children's Hospital); PubMed 17200672 (cited by Labcorp Genetics (formerly Invitae), Labcorp); PubMed 24136930 (cited by Labcorp Genetics (formerly Invitae), Labcorp and Institute for Genomic Medicine (IGM) Clinical Laboratory, Nationwide Children's Hospital); PubMed 25099575 (cited by Labcorp Genetics (formerly Invitae), Labcorp and Institute for Genomic Medicine (IGM) Clinical Laboratory, Nationwide Children's Hospital); PubMed 25575445 (cited by 7 submitters); PubMed 26681312 (cited by 6 submitters); PubMed 29922827 (cited by Quest Diagnostics Nichols Institute San Juan Capistrano and Institute for Genomic Medicine (IGM) Clinical Laboratory, Nationwide Children's Hospital); PubMed 31447099 (cited by Quest Diagnostics Nichols Institute San Juan Capistrano); PubMed 27153395 (cited by Institute for Genomic Medicine (IGM) Clinical Laboratory, Nationwide Children's Hospital and Counsyl).